The following is an entry in ClinVar:

ClinVar aggregate classification (germline): Uncertain significance. Review status: criteria provided, multiple submitters, no conflicts (2 of 4 stars). 2 submissions from 2 submitters: Uncertain significance (2). Last evaluated 2025-02-12.

Conditions:
Generalized epilepsy with febrile seizures plus, type 2 (GEFSP2). Also called: GEFS+, TYPE 2. Identifiers: Orphanet 36387, MedGen C1858673, MONDO:0011461, OMIM 604403.

Allele frequency attached by ClinVar (database versions not stated): TOPMed below 0.00001.

Submissions (2):

Institute of Medical Genetics and Applied Genomics, University Hospital Tübingen
Classification: Uncertain significance for Generalized epilepsy with febrile seizures plus, type 2. Last evaluated: 2025-02-12. Review status: criteria provided, single submitter. Criteria: ACMG Guidelines, 2015. Collection method: clinical testing. Allele origin: germline. Inheritance: Autosomal dominant inheritance. Affected: yes.

GeneDx
Classification: Uncertain significance. Last evaluated: 2014-06-06. Review status: criteria provided, single submitter. Criteria: GeneDx Variant Classification (06012015). Collection method: clinical testing. Allele origin: germline. Affected: yes.
Comment: p.His1217Arg (CAT>CGT): c.3650 A>G in exon 18 of the SCN1A gene (NM_001165963.1) The H1217R variant has not been published as a mutation, nor has it been reported as a benign polymorphism to our knowledge. It was not observed in approximately 6,500 individuals of European and African American ancestry in the NHLBI Exome Sequencing Project, indicating it is not a common benign variant in these populations. This substitution alters a conserved position in transmembrane segment S1 in the third homologous domain of the SCN1A protein and other missense mutations in this region have been reported in association with SCN1A-related disorders in an external mutation database, supporting the functional importance of this region of the protein . In silico analysis predicts this variant is probably damaging to the protein structure/function. However, the H1217R variant is a conservative amino acid substitution, which is not likely to impact secondary protein structure as these residues share similar properties. Therefore, based on the currently available information, it is unclear whether this variant is a pathogenic mutation or a rare benign variant.The variant is found in EPILEPSY panel(s).

NM_001165963.4(SCN1A):c.3650A>G (p.His1217Arg)

Genes: SCN1A-AS1 (SCN1A and SCN9A antisense RNA 1; plus strand), SCN1A (sodium voltage-gated channel alpha subunit 1; minus strand), LOC102724058 (uncharacterized LOC102724058; plus strand). Cytogenetic location: 2q24.3.
Variant type: single nucleotide variant.
Coding change: c.3650A>G on transcript NM_001165963.4 (MANE Select); coding-DNA position 3650, A replaced by G.
Protein change: p.His1217Arg; replaces histidine 1217 with arginine.
Molecular consequence: missense variant. On other transcripts: non-coding transcript variant (1).
Genome position (GRCh38, 1-based): chr2:166,013,799, T>C on the plus strand (A>G on the coding strand, the complement: SCN1A is on the minus strand). VCF-style: chr2-166013799-T-C. GRCh37 (hg19) VCF-style: chr2-166870309-T-C.
Other names: p.H1217R:CAT>CGT; c.3566A>G, p.His1189Arg (NM_001165964.3, NM_001353957.2, NM_001353958.2); c.3650A>G, p.His1217Arg (NM_001202435.3, NM_001353948.2); c.3617A>G, p.His1206Arg (NM_001353949.2, NM_001353950.2, NM_001353951.2 and 2 more transcripts); c.3614A>G, p.His1205Arg (NM_001353954.2, NM_001353955.2); c.3563A>G, p.His1188Arg (NM_001353960.2); c.1208A>G, p.His403Arg (NM_001353961.2); short protein forms H1206R, H1217R, H1189R, H1188R, H1205R, H403R.
Identifiers: ClinVar variation 206805 (VCV000206805.3), dbSNP rs796052996, ClinGen allele CA317383.
Genomic context (GRCh38, chr2:166,013,799, plus strand): 5'-CTCACCAGAGCACCACTACTAAGGAGAATCATGAAAACAATGAAGGTCTCAAACCAGTTA[T>C]GTTCAACTATTCGGAAACACGTCCTTCTCAGGTTCCACCATTGTTTTCCTCTGCCTTCTT-3'
Protein context (NP_001159435.1, residues 1207-1227): LRRTCFRIVE[His1217Arg]NWFETFIVFM